The following is an entry in ClinVar:

ClinVar aggregate classification (germline): Pathogenic (1 of 4 stars; one submission).

Submission:

Labcorp Genetics (formerly Invitae), Labcorp
Classification: Pathogenic. Last evaluated: 2024-12-10. Review status: criteria provided, single submitter. Criteria: Invitae Variant Classification Sherloc (09022015). Collection method: clinical testing. Allele origin: germline.
Comment: This sequence change replaces glycine, which is neutral and non-polar, with arginine, which is basic and polar, at codon 363 of the FLNB protein (p.Gly363Arg). This variant is not present in population databases (gnomAD no frequency). This missense change has been observed in individual(s) with atelosteogenesis (PMID: 22190451). In at least one individual the variant was observed to be de novo. Invitae Evidence Modeling of protein sequence and biophysical properties (such as structural, functional, and spatial information, amino acid conservation, physicochemical variation, residue mobility, and thermodynamic stability) indicates that this missense variant is expected to disrupt FLNB protein function with a positive predictive value of 95%. For these reasons, this variant has been classified as Pathogenic.

Literature cited by the submitters: PubMed 22190451.

NM_001457.4(FLNB):c.1087G>C (p.Gly363Arg)

Gene: FLNB (filamin B; plus strand). Cytogenetic location: 3p14.3.
Variant type: single nucleotide variant.
Coding change: c.1087G>C on transcript NM_001457.4 (MANE Select); coding-DNA position 1087, G replaced by C.
Protein change: p.Gly363Arg; replaces glycine 363 with arginine.
Molecular consequence: missense variant.
Genome position (GRCh38, 1-based): chr3:58,097,917, G>C. VCF-style: chr3-58097917-G-C. GRCh37 (hg19) VCF-style: chr3-58083644-G-C.
Other names: c.1087G>C, p.Gly363Arg (NM_001164317.2, NM_001164318.2, NM_001164319.2); short protein forms G363R.
Identifiers: ClinVar variation 3635698 (VCV003635698.2).